The following is an entry in ClinVar:

NM_001290060.2(SEMA3B):c.2055C>T (p.Pro685=)

Gene: SEMA3B (semaphorin 3B; plus strand). Cytogenetic location: 3p21.31.
Variant type: single nucleotide variant.
Coding change: c.2055C>T on transcript NM_001290060.2 (MANE Select); coding-DNA position 2055, C replaced by T.
Protein change: p.Pro685=; no amino-acid change (proline 685 retained).
Molecular consequence: synonymous variant. On other transcripts: non-coding transcript variant (1).
Genome position (GRCh38, 1-based): chr3:50,276,511, C>T. VCF-style: chr3-50276511-C-T. GRCh37 (hg19) VCF-style: chr3-50313942-C-T.
Other names: c.2052C>T, p.Pro684= (NM_001005914.3); c.2070C>T, p.Pro690= (NM_001290061.1); c.1026C>T, p.Pro342= (NM_001290062.2, NM_001290063.2); c.2055C>T, p.Pro685= (NM_004636.4).
Identifiers: ClinVar variation 3346848 (VCV003346848.2).

ClinVar aggregate classification (germline): Uncertain significance (1 of 4 stars; one submission).

Conditions:
SEMA3B-related disorder. Also called: SEMA3B-related condition.

Submission:

PreventionGenetics, part of Exact Sciences
Classification: Uncertain significance for SEMA3B-related condition. Last evaluated: 2025-09-08. Review status: criteria provided, single submitter. Criteria: ACMG Guidelines, 2015. Collection method: clinical testing. Allele origin: germline.
Comment: The SEMA3B c.2070C>T variant is not predicted to result in an amino acid change (p.=). To our knowledge, this variant has not been reported in the literature or in a large population database (gnomAD), indicating this variant is rare. At this time, the clinical significance of this variant is uncertain due to the absence of conclusive functional and genetic evidence.